The following is an entry in ClinVar:

ClinVar aggregate classification (germline): Pathogenic/Likely pathogenic. Review status: criteria provided, multiple submitters, no conflicts (2 of 4 stars). 12 submissions from 12 submitters: Pathogenic (4); Likely pathogenic (8). Last evaluated 2026-04-20.

Conditions:
TGM1-related disorder. Also called: TGM1-related condition.
Lamellar ichthyosis. Identifiers: Orphanet 313, MedGen C5848247, MONDO:0017778.
Autosomal recessive congenital ichthyosis 1 (LI1). Also called: ICHTHYOSIS, CONGENITAL, AUTOSOMAL RECESSIVE 1, WITH BATHING SUIT DISTRIBUTION; ICHTHYOSIS, CONGENITAL, AUTOSOMAL RECESSIVE 1, WITH OR WITHOUT BATHING SUIT DISTRIBUTION; ICHTHYOSIS CONGENITA; ICHTHYOSIS CONGENITA II; LAMELLAR EXFOLIATION OF NEWBORN; COLLODION FETUS. Identifiers: MedGen C4551630, MONDO:0009441, OMIM 242300.

Allele frequency attached by ClinVar (database versions not stated): gnomAD exomes 0.00002 and 0.00009; ExAC 0.00007; ESP Exome Variant Server 0.00008; gnomAD 0.00008; TOPMed 0.00014; 1000 Genomes Project 30x 0.00016; 1000 Genomes Project 0.00020.

Submissions (12):

Women's Health and Genetics/Laboratory Corporation of America, LabCorp
Classification: Pathogenic for Lamellar ichthyosis. Last evaluated: 2026-04-20. Review status: criteria provided, single submitter. Criteria: LabCorp Variant Classification Summary - May 2015. Collection method: clinical testing. Allele origin: germline.
Comment: Variant summary: TGM1 c.420A>G (p.Ile140Met) results in a conservative amino acid change in the encoded protein sequence. Algorithms developed to predict the effect of missense changes on protein structure and function are either unavailable or do not agree on the potential impact of this missense change. The variant allele was found at a frequency of 9.1e-05 in 251460 control chromosomes. This frequency is not significantly higher than estimated for disease-causing variants in TGM1, allowing no conclusion about variant significance. c.420A>G has been observed in individuals affected with Lamellar Ichthyosis and related conditions (Zhang_2012, Numata_2015, Krantz_2021, Guo_2025). These data indicate that the variant is likely to be associated with disease. At least one publication reports experimental evidence evaluating an impact on protein function (Numata_2016). The variant resulted in abnormal localization, increased insolubility and cytoplasmic aggregation, and moderately reduced enzymatic activity at the plasma membrane. The following publications have been ascertained in the context of this evaluation (PMID: 40193669, 34570182, 25154629, 26990434, 25766764, 22311480). ClinVar contains an entry for this variant (Variation ID: 372784). Based on the evidence outlined above, the variant was classified as pathogenic.

Labcorp Genetics (formerly Invitae), Labcorp
Classification: Pathogenic. Last evaluated: 2025-12-08. Review status: criteria provided, single submitter. Criteria: Invitae Variant Classification Sherloc (09022015). Collection method: clinical testing. Allele origin: germline.
Comment: This sequence change replaces isoleucine, which is neutral and non-polar, with methionine, which is neutral and non-polar, at codon 140 of the TGM1 protein (p.Ile140Met). This variant is present in population databases (rs139208806, gnomAD 0.1%). This missense change has been observed in individual(s) with congenital ichthyosis (PMID: 22311480, 25154629, 25766764). In at least one individual the data is consistent with being in trans (on the opposite chromosome) from a pathogenic variant. ClinVar contains an entry for this variant (Variation ID: 372784). Invitae Evidence Modeling of protein sequence and biophysical properties (such as structural, functional, and spatial information, amino acid conservation, physicochemical variation, residue mobility, and thermodynamic stability) has been performed for this missense variant. However, the output from this modeling did not meet the statistical confidence thresholds required to predict the impact of this variant on TGM1 protein function. Experimental studies are conflicting or provide insufficient evidence to determine the effect of this variant on TGM1 function (PMID: 26990434). For these reasons, this variant has been classified as Pathogenic.

Natera, Inc.
Classification: Likely pathogenic for Autosomal recessive congenital ichthyosis type 1. Last evaluated: 2025-08-31. Review status: criteria provided, single submitter. Criteria: Natera Variant Classification Schema (03/2026). Collection method: clinical testing. Allele origin: germline.
Comment: The c.420A>G variant in TGM1 is a missense variant predicted to cause substitution of isoleucine to methionine at amino acid 140. This variant is rare in the general population with a frequency below the threshold expected for the associated phenotype(s). This variant has been observed in one or more individuals affected with the associated recessive disease, as either homozygous or compound heterozygous with a second variant (PMID: 22311480, 34570182). Functional studies show that this variant may disrupt protein function (PMID: 26990434). Computational prediction algorithms indicate this variant is likely to affect gene or protein function. Given the available evidence, this variant is classified as Likely Pathogenic.

Genomic Medicine Center of Excellence, King Faisal Specialist Hospital and Research Centre
Classification: Pathogenic for Autosomal recessive congenital ichthyosis 1. Last evaluated: 2024-12-19. Review status: criteria provided, single submitter. Criteria: ACMG Guidelines, 2015. Collection method: clinical testing. Allele origin: germline.

Fulgent Genetics
Classification: Likely pathogenic for Autosomal recessive congenital ichthyosis 1. Last evaluated: 2024-05-23. Review status: criteria provided, single submitter. Criteria: ACMG Guidelines, 2015. Collection method: clinical testing. Allele origin: germline.

Blueprint Genetics
Classification: Pathogenic for TGM1-related disorders. Last evaluated: 2024-05-03. Review status: criteria provided, single submitter. Criteria: ACMG Guidelines, 2015. Collection method: clinical testing. Allele origin: germline. Affected: yes. Observed: 5 variant alleles.

Center for Genomics, Ann and Robert H. Lurie Children's Hospital of Chicago
Classification: Likely pathogenic for Autosomal recessive congenital ichthyosis 1. Last evaluated: 2022-10-11. Review status: criteria provided, single submitter. Criteria: ACMG Guidelines, 2015. Collection method: clinical testing. Allele origin: germline.
Comment: This variant has been reported in the literature in the compound heterozygous state in at least two individuals with congenital ichthyosis and was confirmed to be in trans (present on opposite alleles) with another disease-causing variant in one of these individuals (Zhang 2012 PMID: 22311480; Numata 2015 PMID: 25766764). This variant is present in the Genome Aggregation Database (Highest reported MAF: 0.1% [21/19948]); please note, disease-causing variants may be present in control databases at low frequencies, reflective of the general population, carrier status, and/or variable expressivity. This variant is also present in ClinVar, with multiple laboratories classifying it as pathogenic or likely pathogenic (Variation ID: 372784). Evolutionary conservation and computational prediction tools for this variant are unclear. In vitro functional studies have shown that this variant impairs expression of the encoded protein at the cell membrane (Numata 2016 PMID: 26990434); however, these studies may not accurately represent in vivo biological function. In summary, data on this variant is highly suspicious for disease, but requires further evidence for pathogenicity. Therefore, this variant is classified as likely pathogenic.

Genetics and Molecular Pathology, SA Pathology
Classification: Likely pathogenic for Autosomal recessive congenital ichthyosis 1. Last evaluated: 2022-07-04. Review status: criteria provided, single submitter. Criteria: ACMG Guidelines, 2015. Collection method: clinical testing. Allele origin: germline. Inheritance: Autosomal recessive inheritance. Affected: yes.
Comment: The TGM1 c.420A>G variant is classified as a LIKELY PATHOGENIC (PS3, PM2, PP4, PS4_Supporting) This variant is a single nucleotide change in exon 3/15 of the TGM1 gene, which is predicted to change the amino acid isoleucine at position 140 in the protein to methionine. This variant is located in protein domains of the TGM1 gene. Functional studies have demonstrated that this variant disrupts TGM1 protein function (PMID: 26990434) (PS3). This variant has been reported multiple times in individuals with congenital Ichthyosis who were also heterozygous for another TGM1 variant (PMID: 22311480, 25154629, 25766764). The variant has been reported in dbSNP (rs139208806) but is present at low frequency in population databases (gnomAD 12/152024, 0 homozygote) (PM2). The variant has been reported in ClinVar (Variation ID: 372784) and HGMD (Accession no.: CM123548) as likely pathogenic/pathogenic/disease causing (PS4_supporting). Computational predictions are conflicting. Patient's phenotype is highly specific for the TGM1 gene (PP4).

Revvity Omics, Revvity
Classification: Likely pathogenic for Autosomal recessive congenital ichthyosis 1. Last evaluated: 2021-05-06. Review status: criteria provided, single submitter. Criteria: ACMG Guidelines, 2015. Collection method: clinical testing. Allele origin: germline.

GeneDx
Classification: Likely pathogenic. Last evaluated: 2016-06-06. Review status: criteria provided, single submitter. Criteria: GeneDx Variant Classification (06012015). Collection method: clinical testing. Allele origin: germline. Affected: yes.
Comment: The I140M variant in the TGM1 gene has been reported previously in a two patients with collodion membrane who were also heterozygous for another TGM1 variant on the opposite allele (Zhang et al., 2012; Chang et al., 2007). I140M was not observed at any significant frequency in approximately 6,500 individuals of European and African American ancestry by the NHLBI Exome Sequencing Project. It is a conservative amino acid substitution, which is not likely to impact secondary protein structure as these residues share similar properties and occurs at a position where amino acids with similar properties to Isoleucine are tolerated across species. Nevertheless, in silico analysis predicts this variant is probably damaging to the protein structure/function, and other missense variants in nearby residues (R142C/P/H, R143C/H, G144R/E) have been reported in the Human Gene Mutation Database in association with lamellar ichthyosis (Stenson et al., 2014), supporting the functional importance of this region of the protein. Therefore, the I140M variant is a strong candidate for a pathogenic variant, however the possibility it may be a rare benign variant cannot be excluded.

Genome-Nilou Lab
Classification: Likely pathogenic for Autosomal recessive congenital ichthyosis 1. Review status: criteria provided, single submitter. Criteria: ACMG Guidelines, 2015. Collection method: clinical testing. Allele origin: germline.

Juno Genomics, Hangzhou Juno Genomics, Inc
Classification: Likely pathogenic for Autosomal recessive congenital ichthyosis 1. Review status: criteria provided, single submitter. Criteria: ACMG Guidelines, 2015. Collection method: clinical testing. Allele origin: germline.
Comment: Absent from controls (or at extremely low frequency if recessive) in Genome Aggregation Database.;Well-established in vitro or in vivo functional studies supportive of a damaging effect on the gene or gene product.;For recessive disorders, detected in trans with a pathogenic variant.;Patient's phenotype or family history is highly specific for a disease with a single genetic etiology.

Literature cited by the submitters: PubMed 26990434 (cited by 4 submitters); PubMed 25766764 (cited by 3 submitters); PubMed 34570182 (cited by Women's Health and Genetics/Laboratory Corporation of America, LabCorp and Natera, Inc.); PubMed 40193669 (cited by Women's Health and Genetics/Laboratory Corporation of America, LabCorp); PubMed 25154629 (cited by 3 submitters); PubMed 22311480 (cited by 4 submitters).

NM_000359.3(TGM1):c.420A>G (p.Ile140Met)

Gene: TGM1 (transglutaminase 1; minus strand). Cytogenetic location: 14q12.
Variant type: single nucleotide variant.
Coding change: c.420A>G on transcript NM_000359.3 (MANE Select); coding-DNA position 420, A replaced by G.
Protein change: p.Ile140Met; replaces isoleucine 140 with methionine.
Molecular consequence: missense variant.
Genome position (GRCh38, 1-based): chr14:24,261,783, T>C on the plus strand (A>G on the coding strand, the complement: TGM1 is on the minus strand). VCF-style: chr14-24261783-T-C. GRCh37 (hg19) VCF-style: chr14-24730989-T-C.
Other names: short protein forms I140M.
Identifiers: ClinVar variation 372784 (VCV000372784.25), dbSNP rs139208806, ClinGen allele CA7131418.